The following is an entry in ClinVar:

NM_002734.5(PRKAR1A):c.440+5G>A

Gene: PRKAR1A (protein kinase cAMP-dependent type I regulatory subunit alpha; plus strand). Cytogenetic location: 17q24.2.
Variant type: single nucleotide variant.
Coding change: c.440+5G>A on transcript NM_002734.5 (MANE Select); 5 bases into the intron after coding-DNA position 440, G replaced by A.
Molecular consequence: intron variant.
Genome position (GRCh38, 1-based): chr17:68,523,821, G>A. VCF-style: chr17-68523821-G-A. GRCh37 (hg19) VCF-style: chr17-66519962-G-A.
Other names: c.440+5G>A (NM_001278433.2, NM_001369389.1, NM_212471.3 and 4 more transcripts).
Identifiers: ClinVar variation 449086 (VCV000449086.2), dbSNP rs1555813456, ClinGen allele CA658658703.

ClinVar aggregate classification (germline): Uncertain significance (1 of 4 stars; one submission).

Submission:

GeneDx
Classification: Uncertain significance. Last evaluated: 2015-06-02. Review status: criteria provided, single submitter. Criteria: GeneDx Variant Classification (06012015). Collection method: clinical testing. Allele origin: germline. Affected: yes.
Comment: The c.440+5 G>A variant was not observed in approximately 6,500 individuals of European and African American ancestry in the NHLBI Exome Sequencing Project, indicating it is not a common benign variant in these populations. Three in-silico splice prediction models predict that c.440+5 G>A damages the natural splicing donor site of intron 4. This may lead to either an abnormal message, which is subject to nonsense- mediated mRNA decay, or to an abnormal protein product if the message is used for protein translation. Based on the currently available information, it is still unclear whether this variant is a pathogenic variant or a rare benign variant.